The following is an entry in ClinVar:

NM_000218.3(KCNQ1):c.233A>C (p.Asp78Ala)

Gene: KCNQ1 (potassium voltage-gated channel subfamily Q member 1; plus strand). Cytogenetic location: 11p15.5.
Variant type: single nucleotide variant.
Coding change: c.233A>C on transcript NM_000218.3 (MANE Select); coding-DNA position 233, A replaced by C.
Protein change: p.Asp78Ala; replaces aspartic acid 78 with alanine.
Molecular consequence: missense variant.
Genome position (GRCh38, 1-based): chr11:2,445,331, A>C. VCF-style: chr11-2445331-A-C. GRCh37 (hg19) VCF-style: chr11-2466561-A-C.
Other names: short protein forms D78A.
Identifiers: ClinVar variation 943522 (VCV000943522.14), dbSNP rs1846021008, ClinGen allele CA379116854.

ClinVar aggregate classification (germline): Uncertain significance. Review status: criteria provided, multiple submitters, no conflicts (2 of 4 stars). 3 submissions from 3 submitters: Uncertain significance (3). Last evaluated 2024-11-27.

Conditions:
Cardiovascular phenotype. Identifiers: MedGen CN230736.
Long QT syndrome (LQTS). Identifiers: MedGen C0023976, MeSH D008133, MONDO:0002442. Disease mechanism: loss of function. Inheritance: Various modes of inheritance.

Allele frequency attached by ClinVar (database versions not stated): gnomAD exomes below 0.00001; gnomAD 0.00002 and 0.00003.
gnomAD v4.1: 5 of 1,587,310 alleles (0.00031%); highest among the groups gnomAD compares: Admixed American, 0.0068%; no homozygotes.

Submissions (3):

Ambry Genetics
Classification: Uncertain significance for Cardiovascular phenotype. Last evaluated: 2024-11-27. Review status: criteria provided, single submitter. Criteria: Ambry Variant Classification Scheme 2023. Collection method: clinical testing. Allele origin: germline.

Labcorp Genetics (formerly Invitae), Labcorp
Classification: Uncertain significance for Long QT syndrome. Last evaluated: 2024-10-31. Review status: criteria provided, single submitter. Criteria: Invitae Variant Classification Sherloc (09022015). Collection method: clinical testing. Allele origin: germline.
Comment: This sequence change replaces aspartic acid, which is acidic and polar, with alanine, which is neutral and non-polar, at codon 78 of the KCNQ1 protein (p.Asp78Ala). This variant is not present in population databases (gnomAD no frequency). This missense change has been observed in individual(s) with clinical features of long QT syndrome (internal data). ClinVar contains an entry for this variant (Variation ID: 943522). Invitae Evidence Modeling of protein sequence and biophysical properties (such as structural, functional, and spatial information, amino acid conservation, physicochemical variation, residue mobility, and thermodynamic stability) has been performed for this missense variant. However, the output from this modeling did not meet the statistical confidence thresholds required to predict the impact of this variant on KCNQ1 protein function. In summary, the available evidence is currently insufficient to determine the role of this variant in disease. Therefore, it has been classified as a Variant of Uncertain Significance.

Blueprint Genetics
Classification: Uncertain significance. Last evaluated: 2017-10-04. Review status: criteria provided, single submitter. Criteria: ACMG Guidelines, 2015. Collection method: clinical testing. Allele origin: germline.

Literature cited by the submitters: PubMed 31696929 (cited by Ambry Genetics).